The following is an entry in ClinVar:

ClinVar aggregate classification (germline): Uncertain significance (1 of 4 stars; one submission).

Allele frequency attached by ClinVar (database versions not stated): gnomAD exomes below 0.00001; gnomAD 0.00001; 1000 Genomes Project 0.00020.
gnomAD v4.1: 3 of 1,593,336 alleles (0.00019%); highest among the groups gnomAD compares: African/African-American, 0.0013%; no homozygotes.

Submission:

Labcorp Genetics (formerly Invitae), Labcorp
Classification: Uncertain significance. Last evaluated: 2022-06-14. Review status: criteria provided, single submitter. Criteria: Invitae Variant Classification Sherloc (09022015). Collection method: clinical testing. Allele origin: germline.
Comment: This sequence change replaces methionine, which is neutral and non-polar, with isoleucine, which is neutral and non-polar, at codon 240 of the CARMIL2 protein (p.Met240Ile). This variant is present in population databases (rs201801777, gnomAD 0.008%). In summary, the available evidence is currently insufficient to determine the role of this variant in disease. Therefore, it has been classified as a Variant of Uncertain Significance. Algorithms developed to predict the effect of missense changes on protein structure and function (SIFT, PolyPhen-2, Align-GVGD) all suggest that this variant is likely to be tolerated. This variant has not been reported in the literature in individuals affected with CARMIL2-related conditions.

NM_001013838.3(CARMIL2):c.720G>C (p.Met240Ile)

Gene: CARMIL2 (capping protein regulator and myosin 1 linker 2; plus strand). Cytogenetic location: 16q22.1.
Variant type: single nucleotide variant.
Coding change: c.720G>C on transcript NM_001013838.3 (MANE Select); coding-DNA position 720, G replaced by C.
Protein change: p.Met240Ile; replaces methionine 240 with isoleucine.
Molecular consequence: missense variant.
Genome position (GRCh38, 1-based): chr16:67,647,331, G>C. VCF-style: chr16-67647331-G-C. GRCh37 (hg19) VCF-style: chr16-67681234-G-C.
Other names: c.720G>C, p.Met240Ile (NM_001317026.3); short protein forms M240I.
Identifiers: ClinVar variation 1896798 (VCV001896798.5), dbSNP rs201801777, ClinGen allele CA8113194.